The following is an entry in ClinVar:

NM_181552.4(CUX1):c.1961-1G>A

Gene: CUX1 (cut like homeobox 1; plus strand). Cytogenetic location: 7q22.1.
Variant type: single nucleotide variant.
Coding change: c.1961-1G>A on transcript NM_181552.4 (MANE Select); the canonical splice acceptor site of the intron before coding-DNA position 1961, G replaced by A.
Molecular consequence: splice acceptor variant. On other transcripts: intron variant (5).
Genome position (GRCh38, 1-based): chr7:102,200,070, G>A. VCF-style: chr7-102200070-G-A. GRCh37 (hg19) VCF-style: chr7-101843350-G-A.
Other names: c.1255+4467G>A (NM_001913.5); c.1249+4467G>A (NM_181500.4); c.1117+4467G>A (NM_001202545.3); c.1207+4467G>A (NM_001202544.3); c.1138+4467G>A (NM_001202546.3); c.1994-1G>A (NM_001202543.2).
Identifiers: ClinVar variation 4292194 (VCV004292194.2).

ClinVar aggregate classification (germline): Conflicting classifications of pathogenicity. Review status: criteria provided, conflicting classifications (1 of 4 stars). 2 submissions from 2 submitters: Pathogenic (1); Uncertain significance (1). Last evaluated 2024-09-06.

Conditions:
15q11q13 microduplication syndrome. Also called: Maternal 15q Duplication Syndrome; Chromosome 15q11-q13 duplication syndrome; DUPLICATION 15q11-q13 SYNDROME; 15q11.2-q13.1 Duplication Syndrome. Identifiers: Orphanet 238446, MedGen C2675336, MONDO:0012081, OMIM 608636.
Global developmental delay with or without impaired intellectual development. Identifiers: MedGen C5193032, MONDO:0032680, OMIM 618330.

Submissions (2):

3billion
Classification: Uncertain significance for Global developmental delay with or without impaired intellectual development. Last evaluated: 2024-09-06. Review status: criteria provided, single submitter. Criteria: ACMG Guidelines, 2015. Collection method: clinical testing. Allele origin: germline. Affected: yes.
Comment: The variant is not observed in the gnomAD v4.0.0 dataset. Predicted Consequence/Location: Canonical splice site: predicted to alter splicing and result in a loss or disruption of normal protein function. Multiple pathogenic loss-of-function variants are reported downstream of the variant. In silico tools predict the variant to alter splicing and produce an abnormal transcript [SpliceAI: 1.00 (spliceogenicity >=0.2, non-spliceogenicity <0.1)]. Therefore, this variant is classified as VUS according to the recommendation of ACMG/AMP guideline.

Department of Human Genetics, Hannover Medical School
Classification: Pathogenic for 15q11q13 microduplication syndrome. Last evaluated: 2021-12-20. Review status: criteria provided, single submitter. Criteria: ACMG Guidelines, 2015. Collection method: clinical testing. Allele origin: germline. Inheritance: Autosomal dominant inheritance. Affected: yes.